The following is an entry in ClinVar:

ClinVar aggregate classification (germline): Uncertain significance (1 of 4 stars; one submission).

Submission:

GeneDx
Classification: Uncertain significance. Last evaluated: 2024-06-06. Review status: criteria provided, single submitter. Criteria: GeneDx Variant Classification Process June 2021. Collection method: clinical testing. Allele origin: germline. Affected: yes.
Comment: Not observed at significant frequency in large population cohorts (gnomAD); In silico analysis indicates that this missense variant does not alter protein structure/function; Has not been previously published as pathogenic or benign to our knowledge

NM_005909.5(MAP1B):c.3766A>G (p.Ser1256Gly)

Gene: MAP1B (microtubule associated protein 1B; plus strand). Cytogenetic location: 5q13.2.
Variant type: single nucleotide variant.
Coding change: c.3766A>G on transcript NM_005909.5 (MANE Select); coding-DNA position 3766, A replaced by G.
Protein change: p.Ser1256Gly; replaces serine 1256 with glycine.
Molecular consequence: missense variant.
Genome position (GRCh38, 1-based): chr5:72,197,121, A>G. VCF-style: chr5-72197121-A-G. GRCh37 (hg19) VCF-style: chr5-71492948-A-G.
Other names: c.3388A>G, p.Ser1130Gly (NM_001324255.2); short protein forms S1130G, S1256G.
Identifiers: ClinVar variation 3384627 (VCV003384627.1).